The following is an entry in ClinVar:

NM_004588.5(SCN2B):c.274C>G (p.Leu92Val)

Gene: SCN2B (sodium voltage-gated channel beta subunit 2; minus strand). Cytogenetic location: 11q23.3.
Variant type: single nucleotide variant.
Coding change: c.274C>G on transcript NM_004588.5 (MANE Select); coding-DNA position 274, C replaced by G.
Protein change: p.Leu92Val; replaces leucine 92 with valine.
Molecular consequence: missense variant.
Genome position (GRCh38, 1-based): chr11:118,168,259, G>C on the plus strand (C>G on the coding strand, the complement: SCN2B is on the minus strand). VCF-style: chr11-118168259-G-C. GRCh37 (hg19) VCF-style: chr11-118038974-G-C.
Other names: short protein forms L92V.
Identifiers: ClinVar variation 2159616 (VCV002159616.4), dbSNP rs1341434202, ClinGen allele CA382785305.
Genomic context (GRCh38, chr11:118,168,259, plus strand): 5'-CCGACACATCGTACTTGCTGGGGTTCCCTGAGAACTCCACGCGGTCTTGAAACCGCTCCA[G>C]CTTCAGGTTAATGATCTTCATGCGGAACTGGAGGAACTGGGGTTGGAGCAAGGGACAGGA-3'
Protein context (NP_004579.1, residues 82-102): QFRMKIINLK[Leu92Val]ERFQDRVEFS

ClinVar aggregate classification (germline): Uncertain significance (1 of 4 stars; one submission).

Conditions:
Atrial fibrillation, familial, 14 (ATFB14). Identifiers: MedGen C3809312, MONDO:0014156, OMIM 615378.

Allele frequency attached by ClinVar (database versions not stated): gnomAD exomes below 0.00001.

Submission:

Labcorp Genetics (formerly Invitae), Labcorp
Classification: Uncertain significance for Atrial fibrillation, familial, 14. Last evaluated: 2022-07-30. Review status: criteria provided, single submitter. Criteria: Invitae Variant Classification Sherloc (09022015). Collection method: clinical testing. Allele origin: germline.
Comment: This sequence change replaces leucine, which is neutral and non-polar, with valine, which is neutral and non-polar, at codon 92 of the SCN2B protein (p.Leu92Val). In summary, the available evidence is currently insufficient to determine the role of this variant in disease. Therefore, it has been classified as a Variant of Uncertain Significance. Algorithms developed to predict the effect of missense changes on protein structure and function (SIFT, PolyPhen-2, Align-GVGD) all suggest that this variant is likely to be tolerated. This variant has not been reported in the literature in individuals affected with SCN2B-related conditions. This variant is present in population databases (no rsID available, gnomAD 0.006%).